The following is an entry in ClinVar:

ClinVar aggregate classification (germline): Uncertain significance (1 of 4 stars; one submission).

Conditions:
KBG syndrome (KBGS). Also called: ANKRD11-Related KBG Syndrome. Identifiers: Orphanet 2332, MedGen C0220687, MONDO:0007846, OMIM 148050.

Submission:

Labcorp Genetics (formerly Invitae), Labcorp
Classification: Uncertain significance for KBG syndrome. Last evaluated: 2026-01-28. Review status: criteria provided, single submitter. Criteria: Invitae Variant Classification Sherloc (09022015). Collection method: clinical testing. Allele origin: germline.
Comment: This sequence change replaces lysine, which is basic and polar, with asparagine, which is neutral and polar, at codon 2325 of the ANKRD11 protein (p.Lys2325Asn). This variant is not present in population databases (gnomAD no frequency). This variant has not been reported in the literature in individuals affected with ANKRD11-related conditions. Invitae Evidence Modeling of protein sequence and biophysical properties (such as structural, functional, and spatial information, amino acid conservation, physicochemical variation, residue mobility, and thermodynamic stability) indicates that this missense variant is not expected to disrupt ANKRD11 protein function with a negative predictive value of 95%. In summary, the available evidence is currently insufficient to determine the role of this variant in disease. Therefore, it has been classified as a Variant of Uncertain Significance.

NM_013275.6(ANKRD11):c.6975G>C (p.Lys2325Asn)

Gene: ANKRD11 (ankyrin repeat domain 11; minus strand). Cytogenetic location: 16q24.3.
Variant type: single nucleotide variant.
Coding change: c.6975G>C on transcript NM_013275.6 (MANE Select); coding-DNA position 6975, G replaced by C.
Protein change: p.Lys2325Asn; replaces lysine 2325 with asparagine.
Molecular consequence: missense variant.
Genome position (GRCh38, 1-based): chr16:89,279,567, C>G on the plus strand (G>C on the coding strand, the complement: ANKRD11 is on the minus strand). VCF-style: chr16-89279567-C-G. GRCh37 (hg19) VCF-style: chr16-89345975-C-G.
Other names: c.6975G>C, p.Lys2325Asn (NM_001256182.2, NM_001256183.2); short protein forms K2325N.
Identifiers: ClinVar variation 4774917 (VCV004774917.1).